The following is an entry in ClinVar:

ClinVar aggregate classification (germline): Uncertain significance (1 of 4 stars; one submission).

gnomAD v4.1: 3 of 1,163,324 alleles (0.00026%); highest among the groups gnomAD compares: Admixed American, 0.0079%; no homozygotes.

Submission:

Ambry Genetics
Classification: Uncertain significance. Last evaluated: 2026-04-27. Review status: criteria provided, single submitter. Criteria: Ambry Variant Classification Scheme 2023. Collection method: clinical testing. Allele origin: germline.
Comment: The c.1497G>T (p.Q499H) alteration is located in exon 14 (coding exon 13) of the PASD1 gene. This alteration results from a G to T substitution at nucleotide position 1497, causing the glutamine (Q) at amino acid position 499 to be replaced by a histidine (H). Based on data from gnomAD, the T allele has an overall frequency of 0.001% (1/111154) total alleles studied. The highest observed frequency was 0.005% (1/19022) of Latino alleles. Based on insufficient or conflicting evidence, the clinical significance of this alteration remains unclear.

NM_173493.3(PASD1):c.1497G>T (p.Gln499His)

Gene: PASD1 (PAS domain containing repressor 1; plus strand). Cytogenetic location: Xq28.
Variant type: single nucleotide variant.
Coding change: c.1497G>T on transcript NM_173493.3 (MANE Select); coding-DNA position 1497, G replaced by T.
Protein change: p.Gln499His; replaces glutamine 499 with histidine.
Molecular consequence: missense variant.
Genome position (GRCh38, 1-based): chrX:151,672,242, G>T. VCF-style: chrX-151672242-G-T. GRCh37 (hg19) VCF-style: chrX-150840714-G-T.
Other names: short protein forms Q499H.
Identifiers: ClinVar variation 4861583 (VCV004861583.1).